The following is an entry in ClinVar:

NM_021912.5(GABRB3):c.61C>T (p.Arg21Ter)

Gene: GABRB3 (gamma-aminobutyric acid type A receptor subunit beta3; minus strand). Cytogenetic location: 15q12.
Variant type: single nucleotide variant.
Coding change: c.61C>T on transcript NM_021912.5; coding-DNA position 61, C replaced by T.
Protein change: p.Arg21Ter; replaces arginine 21 with a stop codon.
Molecular consequence: nonsense.
Genome position (GRCh38, 1-based): chr15:26,773,664, G>A on the plus strand (C>T on the coding strand, the complement: GABRB3 is on the minus strand). VCF-style: chr15-26773664-G-A. GRCh37 (hg19) VCF-style: chr15-27018811-G-A.
Other names: short protein forms R21*.
Identifiers: ClinVar variation 3361532 (VCV003361532.1).

ClinVar aggregate classification (germline): Uncertain significance (1 of 4 stars; one submission).

Submission:

GeneDx
Classification: Uncertain significance. Last evaluated: 2023-07-28. Review status: criteria provided, single submitter. Criteria: GeneDx Variant Classification Process June 2021. Collection method: clinical testing. Allele origin: germline. Affected: yes.
Comment: Not observed at significant frequency in large population cohorts (gnomAD); Nonsense variant predicted to result in protein truncation or nonsense mediated decay in a gene for which loss-of-function is not an established mechanism of disease; Has not been previously published as pathogenic or benign to our knowledge; Reported using an alternate transcript of the gene